The following is an entry in ClinVar:

NM_152594.3(SPRED1):c.529C>T (p.Pro177Ser)

Gene: SPRED1 (sprouty related EVH1 domain containing 1; plus strand). Cytogenetic location: 15q14.
Variant type: single nucleotide variant.
Coding change: c.529C>T on transcript NM_152594.3 (MANE Select); coding-DNA position 529, C replaced by T.
Protein change: p.Pro177Ser; replaces proline 177 with serine.
Molecular consequence: missense variant.
Genome position (GRCh38, 1-based): chr15:38,339,842, C>T. VCF-style: chr15-38339842-C-T. GRCh37 (hg19) VCF-style: chr15-38632043-C-T.
Other names: short protein forms P177S.
Identifiers: ClinVar variation 4865037 (VCV004865037.1).
Genomic context (GRCh38, chr15:38,339,842, plus strand): 5'-TTTCAGCAAGAGACAGTTGTTACCAGTGAGCCTTATAGAAGCTCAAATATAAGACCTTCT[C>T]CCTTTGAAGATCTGAATGCCAGAAGAGTCTACATGCAAAGCCAAGCCAATCAGGTAAGAA-3'
Protein context (NP_689807.1, residues 167-187): PYRSSNIRPS[Pro177Ser]FEDLNARRVY

ClinVar aggregate classification (germline): Uncertain significance (1 of 4 stars; one submission).

Conditions:
Cardiovascular phenotype. Identifiers: MedGen CN230736.

Submission:

Ambry Genetics
Classification: Uncertain significance for Cardiovascular phenotype. Last evaluated: 2026-05-19. Review status: criteria provided, single submitter. Criteria: Ambry Variant Classification Scheme 2023. Collection method: clinical testing. Allele origin: germline.
Comment: The p.P177S variant (also known as c.529C>T), located in coding exon 5 of the SPRED1 gene, results from a C to T substitution at nucleotide position 529. The proline at codon 177 is replaced by serine, an amino acid with similar properties. This amino acid position is conserved. In addition, this alteration is predicted to be tolerated by in silico analysis. Based on the available evidence, the clinical significance of this variant remains unclear.